The following is an entry in ClinVar:

ClinVar aggregate classification (germline): Likely benign. Review status: criteria provided, multiple submitters, no conflicts (2 of 4 stars). 5 submissions from 5 submitters: Likely benign (4). 1 of the submissions does not count toward it. Last evaluated 2026-01-19.

Conditions:
SOX10-related disorder. Also called: SOX10-related condition.

Allele frequency attached by ClinVar (database versions not stated): ExAC 0.00015; gnomAD exomes 0.00020; gnomAD 0.00028 and 0.00029; TOPMed 0.00036; 1000 Genomes Project 0.00040; 1000 Genomes Project 30x 0.00047.
gnomAD v4.1: 547 of 1,614,012 alleles (0.034%); highest among the groups gnomAD compares: Admixed American, 0.047%; no homozygotes.

Submissions (5):

Labcorp Genetics (formerly Invitae), Labcorp
Classification: Likely benign. Last evaluated: 2026-01-19. Review status: criteria provided, single submitter. Criteria: Invitae Variant Classification Sherloc (09022015). Collection method: clinical testing. Allele origin: germline.

Blueprint Genetics
Classification: Likely benign. Last evaluated: 2024-05-23. Review status: criteria provided, single submitter. Criteria: ACMG Guidelines, 2015. Collection method: clinical testing. Allele origin: germline.

CeGaT Center for Human Genetics Tuebingen
Classification: Likely benign. Last evaluated: 2024-03-01. Review status: criteria provided, single submitter. Criteria: CeGaT Center For Human Genetics Tuebingen Variant Classification Criteria Version 2. Collection method: clinical testing. Allele origin: germline. Affected: yes. Observed: 1 variant allele.
Comment: SOX10: BP4, BP7

GeneDx
Classification: Likely benign. Last evaluated: 2020-02-07. Review status: criteria provided, single submitter. Criteria: GeneDx Variant Classification Process June 2021. Collection method: clinical testing. Allele origin: germline. Affected: yes.

PreventionGenetics, part of Exact Sciences
Classification: Likely benign for SOX10-related condition. Last evaluated: 2023-12-13. Review status: no assertion criteria provided. Collection method: clinical testing. Allele origin: germline. Not counted in ClinVar's aggregate classification.
Comment: This variant is classified as likely benign based on ACMG/AMP sequence variant interpretation guidelines (Richards et al. 2015 PMID: 25741868, with internal and published modifications).

NM_006941.4(SOX10):c.825C>T (p.Asn275=)

Genes: POLR2F (RNA polymerase II, I and III subunit F; plus strand), SOX10 (SRY-box transcription factor 10; minus strand). Cytogenetic location: 22q13.1.
Variant type: single nucleotide variant.
Coding change: c.825C>T on transcript NM_006941.4 (MANE Select); coding-DNA position 825, C replaced by T.
Protein change: p.Asn275=; no amino-acid change (asparagine 275 retained).
Molecular consequence: synonymous variant. On other transcripts: intron variant (3).
Genome position (GRCh38, 1-based): chr22:37,974,071, G>A on the plus strand (C>T on the coding strand, the complement: SOX10 is on the minus strand). VCF-style: chr22-37974071-G-A. GRCh37 (hg19) VCF-style: chr22-38370078-G-A.
Other names: c.*38+1761G>A (NM_001363825.1); c.293+6901G>A (NM_001301130.2, NM_001301131.2).
Identifiers: ClinVar variation 1201452 (VCV001201452.33), dbSNP rs200437243, ClinGen allele CA10228577.